The following is an entry in ClinVar:

NM_004204.5(PIGQ):c.178G>A (p.Val60Met)

Gene: PIGQ (phosphatidylinositol glycan anchor biosynthesis class Q; plus strand). Cytogenetic location: 16p13.3.
Variant type: single nucleotide variant.
Coding change: c.178G>A on transcript NM_004204.5 (MANE Select); coding-DNA position 178, G replaced by A.
Protein change: p.Val60Met; replaces valine 60 with methionine.
Molecular consequence: missense variant.
Genome position (GRCh38, 1-based): chr16:574,252, G>A. VCF-style: chr16-574252-G-A. GRCh37 (hg19) VCF-style: chr16-624252-G-A.
Other names: c.178G>A, p.Val60Met (NM_148920.4); short protein forms V60M.
Identifiers: ClinVar variation 639063 (VCV000639063.8), dbSNP rs1417725796, ClinGen allele CA394046454.

ClinVar aggregate classification (germline): Uncertain significance (1 of 4 stars; one submission).

Conditions:
Epilepsy. Also called: Seizure disorder. Identifiers: MedGen C0014544, MeSH D004827, MONDO:0005027.

Allele frequency attached by ClinVar (database versions not stated): gnomAD exomes 0.00001.
gnomAD v4.1: 17 of 1,609,082 alleles (0.0011%); highest among the groups gnomAD compares: Non-Finnish European, 0.0014%; no homozygotes.

Submission:

Labcorp Genetics (formerly Invitae), Labcorp
Classification: Uncertain significance for Epilepsy. Last evaluated: 2018-09-11. Review status: criteria provided, single submitter. Criteria: Invitae Variant Classification Sherloc (09022015). Collection method: clinical testing. Allele origin: germline.
Comment: In summary, the available evidence is currently insufficient to determine the role of this variant in disease. Therefore, it has been classified as a Variant of Uncertain Significance. Algorithms developed to predict the effect of missense changes on protein structure and function output the following: SIFT: "Deleterious"; PolyPhen-2: "Benign"; Align-GVGD: "Class C0". The methionine amino acid residue is found in multiple mammalian species, suggesting that this missense change does not adversely affect protein function. These predictions have not been confirmed by published functional studies and their clinical significance is uncertain. This variant has not been reported in the literature in individuals with PIGQ-related disease. This variant is not present in population databases (ExAC no frequency). This sequence change replaces valine with methionine at codon 60 of the PIGQ protein (p.Val60Met). The valine residue is weakly conserved and there is a small physicochemical difference between valine and methionine.